The following is an entry in ClinVar:

NM_007254.4(PNKP):c.1324G>A (p.Gly442Ser)

Gene: PNKP (polynucleotide kinase 3'-phosphatase; minus strand). Cytogenetic location: 19q13.33.
Variant type: single nucleotide variant.
Coding change: c.1324G>A on transcript NM_007254.4 (MANE Select); coding-DNA position 1324, G replaced by A.
Protein change: p.Gly442Ser; replaces glycine 442 with serine.
Molecular consequence: missense variant.
Genome position (GRCh38, 1-based): chr19:49,861,670, C>T on the plus strand (G>A on the coding strand, the complement: PNKP is on the minus strand). VCF-style: chr19-49861670-C-T. GRCh37 (hg19) VCF-style: chr19-50364927-C-T.
Other names: p.G442S:GGC>AGC; short protein forms G442S.
Identifiers: ClinVar variation 206413 (VCV000206413.15), dbSNP rs372459137, ClinGen allele CA316503.
Genomic context (GRCh38, chr19:49,861,670, plus strand): 5'-GGTTGTTGTGGCGCGCCTGCTCCAGAGTGGCGGTGAAGAGGAAGCAGCGGCAGGGGACGC[C>T]CGCGGCTCGGGCACACTGGACGTACCTGTGGGGGAAGGAGCTGGATGTGCAGGCCCCGCC-3'
Protein context (NP_009185.2, residues 432-452): ARYVQCARAA[Gly442Ser]VPCRCFLFTA

ClinVar aggregate classification (germline): Uncertain significance. Review status: criteria provided, multiple submitters, no conflicts (2 of 4 stars). 4 submissions from 4 submitters: Uncertain significance (4). Last evaluated 2022-08-23.

Conditions:
Developmental and epileptic encephalopathy, 12 (DEE12). Identifiers: MedGen C3150988, MONDO:0013389, OMIM 613722.
Inborn genetic diseases. Identifiers: MedGen C0950123, MeSH D030342.

Allele frequency attached by ClinVar (database versions not stated): gnomAD 0.00004 and 0.00005; gnomAD exomes 0.00004 and 0.00007; TOPMed 0.00005; ExAC 0.00007; ESP Exome Variant Server 0.00008.
gnomAD v4.1: 106 of 1,548,218 alleles (0.0068%); highest among the groups gnomAD compares: Non-Finnish European, 0.009%; 1 homozygote.

Submissions (4):

Labcorp Genetics (formerly Invitae), Labcorp
Classification: Uncertain significance for Developmental and epileptic encephalopathy, 12. Last evaluated: 2022-08-23. Review status: criteria provided, single submitter. Criteria: Invitae Variant Classification Sherloc (09022015). Collection method: clinical testing. Allele origin: germline.
Comment: This sequence change replaces glycine, which is neutral and non-polar, with serine, which is neutral and polar, at codon 442 of the PNKP protein (p.Gly442Ser). This variant is present in population databases (rs372459137, gnomAD 0.01%). This missense change has been observed in individual(s) with clinical features of PNKP-related conditions (PMID: 29056246). ClinVar contains an entry for this variant (Variation ID: 206413). Algorithms developed to predict the effect of missense changes on protein structure and function are either unavailable or do not agree on the potential impact of this missense change (SIFT: "Tolerated"; PolyPhen-2: "Possibly Damaging"; Align-GVGD: "Class C0"). In summary, the available evidence is currently insufficient to determine the role of this variant in disease. Therefore, it has been classified as a Variant of Uncertain Significance.

GeneDx
Classification: Uncertain significance. Last evaluated: 2020-12-18. Review status: criteria provided, single submitter. Criteria: GeneDx Variant Classification Process June 2021. Collection method: clinical testing. Allele origin: germline. Affected: yes.
Comment: Not observed at a significant frequency in large population cohorts (Lek et al., 2016); In silico analysis, which includes protein predictors and evolutionary conservation, supports that this variant does not alter protein structure/function; Reported previously in the homozygous state as a "potentially causative variant" in an individual with seizures; however, parental testing was not performed and detailed clinical information is unavailable (Butler et al., 2017); This variant is associated with the following publications: (PMID: 10446192, 27165045, 27232581, 25728773, 24965255, 20118933, 7165045, 31436889, 29056246, 23224214)

Ambry Genetics
Classification: Uncertain significance for Inborn genetic diseases. Last evaluated: 2016-11-09. Review status: criteria provided, single submitter. Criteria: Ambry exome assertion method (8-5-2015). Collection method: clinical testing. Allele origin: germline. Affected: yes. Observed: 1 variant allele.

Eurofins Ntd Llc (ga)
Classification: Uncertain significance. Last evaluated: 2016-03-24. Review status: criteria provided, single submitter. Criteria: EGL Classification Definitions 2015. Collection method: clinical testing. Allele origin: germline. Observed: 1 variant allele, 1 homozygote.

Literature cited by the submitters: PubMed 29056246 (cited by Labcorp Genetics (formerly Invitae), Labcorp); PubMed 10446192 (cited by Ambry Genetics); PubMed 15381417 (cited by Ambry Genetics).